The following is an entry in ClinVar:

ClinVar aggregate classification (germline): Conflicting classifications of pathogenicity. Review status: criteria provided, conflicting classifications (1 of 4 stars). 10 submissions from 10 submitters: Uncertain significance (6); Likely benign (1). 3 of the submissions do not count toward it. Last evaluated 2026-01-12.

Conditions:
Tuberous sclerosis syndrome (TSC). Also called: Tuberous Sclerosis Complex; Tuberous sclerosis. Identifiers: Orphanet 805, MedGen C0041341, MONDO:0001734.
Lymphangiomyomatosis (LAM). Also called: Lymphangioleiomyomatosis; Lymphangioleiomyomatosis, somatic. Identifiers: Orphanet 538, MedGen C0751674, MONDO:0011705, OMIM 606690.
Isolated focal cortical dysplasia type II (FCORD2). Also called: Focal cortical dysplasia type II; CORTICAL DYSPLASIA OF TAYLOR. Identifiers: Orphanet 268994, MedGen C1846385, MONDO:0011818, OMIM 607341, HP:0032051.
Tuberous sclerosis 2 (TSC2). Identifiers: Orphanet 805, MedGen C1860707, MONDO:0013199, OMIM 613254.
Hereditary cancer-predisposing syndrome. Also called: Neoplastic Syndromes, Hereditary; Hereditary neoplastic syndrome; Hereditary Cancer Syndrome; Tumor predisposition. Identifiers: Orphanet 140162, MedGen C0027672, MeSH D009386, MONDO:0015356.

Allele frequency attached by ClinVar (database versions not stated): TOPMed 0.00001; gnomAD 0.00001; ESP Exome Variant Server 0.00008; ExAC 0.00001; gnomAD exomes 0.00001.
gnomAD v4.1: 8 of 1,613,736 alleles (0.0005%); highest among the groups gnomAD compares: Non-Finnish European, 0.00068%; no homozygotes.

Submissions (10):

Labcorp Genetics (formerly Invitae), Labcorp
Classification: Likely benign for Tuberous sclerosis 2. Last evaluated: 2026-01-12. Review status: criteria provided, single submitter. Criteria: Invitae Variant Classification Sherloc (09022015). Collection method: clinical testing. Allele origin: germline.

Color Diagnostics, LLC DBA Color Health
Classification: Uncertain significance for Tuberous sclerosis syndrome. Last evaluated: 2025-07-03. Review status: criteria provided, single submitter. Criteria: ACMG Guidelines, 2015. Collection method: clinical testing. Allele origin: germline.
Comment: This missense variant replaces valine with methionine at codon 560 of the TSC2 protein. Computational prediction suggests that this variant may have deleterious impact on protein structure and function. Functional studies have shown that this variant behaved like wild-type TSC2 when assessing TSC2, TSC1, total S6K, and T389-phosphorylated S6K levels to measure mTORC1 activities (PMID: 21309039). To our knowledge, this variant has not been reported in individuals affected with TSC2-related disorders in the literature. This variant has been identified in 3/250734 chromosomes in the general population by the Genome Aggregation Database (gnomAD). The available evidence is insufficient to determine the role of this variant in disease conclusively. Therefore, this variant is classified as a Variant of Uncertain Significance.

GeneDx
Classification: Uncertain significance. Last evaluated: 2024-09-26. Review status: criteria provided, single submitter. Criteria: GeneDx Variant Classification Process June 2021. Collection method: clinical testing. Allele origin: germline.
Comment: Published functional studies report this variant is associated with normal TSC2 protein levels, a mild reduction in TSC1 protein levels that did not reach statistical significance, and a mild increase in TORC1 activity that did not reach statistical significance (PMID: 21309039); In silico analysis indicates that this missense variant does not alter protein structure/function; This variant is associated with the following publications: (PMID: 21309039, 25525159, 25637381, 30476936, 24055113, 38806662)

Ambry Genetics
Classification: Uncertain significance for Hereditary cancer-predisposing syndrome. Last evaluated: 2024-08-05. Review status: criteria provided, single submitter. Criteria: Ambry Variant Classification Scheme 2023. Collection method: clinical testing. Allele origin: germline.
Comment: The p.V560M variant (also known as c.1678G>A), located in coding exon 15 of the TSC2 gene, results from a G to A substitution at nucleotide position 1678. The valine at codon 560 is replaced by methionine, an amino acid with highly similar properties. This variant has been seen in an exome cohort, but cardiovascular history was not provided (Amendola LM et al. Genome Res, 2015 Mar;25:305-15). This alteration was also reported as an incidental finding from one of 1000 participants' exomes and was classified as a Variant of Uncertain Significance (Dorschner MO et al. Am J Hum Genet, 2013 Oct;93:631-40). (Xiong HY et al. Science, 2015 Jan;347:1254806). This amino acid position is highly conserved in available vertebrate species. In addition, this alteration is predicted to be deleterious by in silico analysis. Since supporting evidence is limited at this time, the clinical significance of this alteration remains unclear.

Genome-Nilou Lab
Classification: Uncertain significance for Tuberous sclerosis 2. Last evaluated: 2021-11-07. Review status: criteria provided, single submitter. Criteria: ACMG Guidelines, 2015. Collection method: clinical testing. Allele origin: germline. Affected: no.

Fulgent Genetics
Classification: Uncertain significance for Lymphangiomyomatosis; Isolated focal cortical dysplasia type II; Tuberous sclerosis 2. Last evaluated: 2018-10-31. Review status: criteria provided, single submitter. Criteria: ACMG Guidelines, 2015. Collection method: clinical testing. Allele origin: unknown.

Gharavi Laboratory, Columbia University
Classification: Uncertain significance. Last evaluated: 2018-09-16. Review status: criteria provided, single submitter. Criteria: ACMG Guidelines, 2015. Collection method: research. Allele origin: germline. Affected: no.

CSER _CC_NCGL, University of Washington
Classification: Uncertain significance for Tuberous sclerosis. Last evaluated: 2014-06-01. Review status: no assertion criteria provided. Collection method: research. Allele origin: germline. Inheritance: Autosomal dominant inheritance. Study: ESP 6500 variant annotation. Not counted in ClinVar's aggregate classification.
Comment: Variants classified for the Actionable exomic incidental findings in 6503 participants: challenges of variant classification manuscript

Department of Pathology and Laboratory Medicine, Sinai Health System
Classification: Uncertain significance. Review status: no assertion criteria provided. Collection method: clinical testing. Allele origin: unknown. Affected: yes. Study: The Canadian Open Genetics Repository (COGR). Not counted in ClinVar's aggregate classification.
Comment: The TSC2 p.V560M variant was not identified in the literature but was identified in dbSNP (ID: rs141631268) and ClinVar (classified as uncertain significance by Fulgent Genetics, Ambry Genetics and two other submitters; and as likely benign by Invitae). The variant was identified in control databases in 3 of 250734 chromosomes at a frequency of 0.00001196 (Genome Aggregation Database March 6, 2019, v2.1.1). The p.V560 residue is conserved in mammals and computational analyses (MUT Assesor, PolyPhen-2, SIFT, MutationTaster, Revel, FATHMM, MetaLR, DANN) suggest that the variant may impact the protein; however, this information is not predictive enough to assume pathogenicity. The variant occurs outside of the splicing consensus sequence and in silico or computational prediction software programs (Splice AI exome) do not predict a deleterious effect on splicing. In summary, based on the above information the clinical significance of this variant cannot be determined with certainty at this time. This variant is classified as a variant of uncertain significance.

Tuberous sclerosis database (TSC2)
No classification provided. Condition: TSC. Review status: no classification provided. Criteria: Tuberous Sclerosis Database Assertion Criteria 2015. Collection method: curation. Allele origin: germline. Affected: yes. Not counted in ClinVar's aggregate classification.

Literature cited by the submitters: PubMed 21309039 (cited by Color Diagnostics, LLC DBA Color Health); PubMed 24055113 (cited by Ambry Genetics); PubMed 25637381 (cited by Ambry Genetics).

NM_000548.5(TSC2):c.1678G>A (p.Val560Met)

Gene: TSC2 (TSC complex subunit 2; plus strand). Cytogenetic location: 16p13.3.
Variant type: single nucleotide variant.
Coding change: c.1678G>A on transcript NM_000548.5 (MANE Select); coding-DNA position 1678, G replaced by A.
Protein change: p.Val560Met; replaces valine 560 with methionine.
Molecular consequence: missense variant.
Genome position (GRCh38, 1-based): chr16:2,065,597, G>A. VCF-style: chr16-2065597-G-A. GRCh37 (hg19) VCF-style: chr16-2115598-G-A.
Other names: c.1678G>A, p.Val560Met (NM_001077183.3, NM_001114382.3, NM_001363528.2 and 3 more transcripts); c.1567G>A, p.Val523Met (NM_001318827.2); c.1531G>A, p.Val511Met (NM_001318829.2); c.1078G>A, p.Val360Met (NM_001318831.2); c.1711G>A, p.Val571Met (NM_001318832.2); short protein forms V560M, V523M, V511M, V571M, V360M.
Identifiers: ClinVar variation 65075 (VCV000065075.24), dbSNP rs141631268, ClinGen allele CA015425.